The following is an entry in ClinVar:

ClinVar aggregate classification (germline): Uncertain significance. Review status: criteria provided, multiple submitters, no conflicts (2 of 4 stars). 3 submissions from 3 submitters: Uncertain significance (2). 1 of the submissions does not count toward it. Last evaluated 2025-10-09.

Conditions:
Polyglandular autoimmune syndrome, type 1 (APS1). Also called: APS I; AUTOIMMUNE POLYENDOCRINE SYNDROME, TYPE I, WITH OR WITHOUT REVERSIBLE METAPHYSEAL DYSPLASIA; Autoimmune polyendocrine syndrome type 1; Autoimmune polyendocrinopathy syndrome, type I; HYPOADRENOCORTICISM WITH HYPOPARATHYROIDISM AND SUPERFICIAL MONILIASIS; PGA I. Identifiers: Orphanet 3453, MedGen C0085859, MONDO:0009411, OMIM 240300.

Allele frequency attached by ClinVar (database versions not stated): ExAC 0.00001; gnomAD exomes 0.00001.
gnomAD v4.1: 4 of 1,612,960 alleles (0.00025%); highest among the groups gnomAD compares: Admixed American, 0.0017%; no homozygotes.

Submissions (3):

Labcorp Genetics (formerly Invitae), Labcorp
Classification: Uncertain significance for Polyglandular autoimmune syndrome, type 1. Last evaluated: 2025-10-09. Review status: criteria provided, single submitter. Criteria: Invitae Variant Classification Sherloc (09022015). Collection method: clinical testing. Allele origin: germline.
Comment: This sequence change replaces glutamic acid, which is acidic and polar, with lysine, which is basic and polar, at codon 298 of the AIRE protein (p.Glu298Lys). This variant is present in population databases (rs763636007, gnomAD 0.003%). This missense change has been observed in individual(s) with autoimmune polyendocrinopathy syndrome (PMID: 18682433, 20407228, 28911151). ClinVar contains an entry for this variant (Variation ID: 558351). Invitae Evidence Modeling of protein sequence and biophysical properties (such as structural, functional, and spatial information, amino acid conservation, physicochemical variation, residue mobility, and thermodynamic stability) indicates that this missense variant is expected to disrupt AIRE protein function with a positive predictive value of 95%. Experimental studies have shown that this missense change affects AIRE function (PMID: 26084028). In summary, the available evidence is currently insufficient to determine the role of this variant in disease. Therefore, it has been classified as a Variant of Uncertain Significance.

Women's Health and Genetics/Laboratory Corporation of America, LabCorp
Classification: Uncertain significance. Last evaluated: 2024-09-20. Review status: criteria provided, single submitter. Criteria: LabCorp Variant Classification Summary - May 2015. Collection method: clinical testing. Allele origin: germline.
Comment: Variant summary: AIRE c.892G>A (p.Glu298Lys) results in a conservative amino acid change located in the Zinc finger, PHD-type domain (IPR001965) of the encoded protein sequence. Four of five in-silico tools predict a damaging effect of the variant on protein function. The variant allele was found at a frequency of 8e-06 in 250216 control chromosomes. c.892G>A has been reported in the literature in at-least two individuals affected with autosomal recessive Autoimmune Polyglandular Syndrome (Podkrajsek_2008, Orlova_2017). These data indicate that the variant may be associated with disease. At least one publication reports experimental evidence evaluating an impact on protein function. The most pronounced variant effect results in about 15% of normal levels of AIRE-regulated IGFL1 gene in vitro (Oftedal_2015). The following publications have been ascertained in the context of this evaluation (PMID: 36732629, 26084028, 20407228, 18682433). ClinVar contains an entry for this variant (Variation ID: 558351). Based on the evidence outlined above, the variant was classified as VUS-possibly pathogenic.

Counsyl
Classification: Uncertain significance for Polyglandular autoimmune syndrome, type 1. Last evaluated: 2018-05-15. Review status: no assertion criteria provided. Collection method: clinical testing. Allele origin: unknown. Not counted in ClinVar's aggregate classification.

Literature cited by the submitters: PubMed 18682433 (cited by 3 submitters); PubMed 20407228 (cited by 3 submitters); PubMed 28911151 (cited by Labcorp Genetics (formerly Invitae), Labcorp); PubMed 26084028 (cited by 3 submitters); PubMed 36732629 (cited by Women's Health and Genetics/Laboratory Corporation of America, LabCorp).

NM_000383.4(AIRE):c.892G>A (p.Glu298Lys)

Gene: AIRE (autoimmune regulator; plus strand). Cytogenetic location: 21q22.3.
Variant type: single nucleotide variant.
Coding change: c.892G>A on transcript NM_000383.4 (MANE Select); coding-DNA position 892, G replaced by A.
Protein change: p.Glu298Lys; replaces glutamic acid 298 with lysine.
Molecular consequence: missense variant.
Genome position (GRCh38, 1-based): chr21:44,291,107, G>A. VCF-style: chr21-44291107-G-A. GRCh37 (hg19) VCF-style: chr21-45710990-G-A.
Other names: short protein forms E298K.
Identifiers: ClinVar variation 558351 (VCV000558351.13), dbSNP rs763636007, ClinGen allele CA10051850.